The following is an entry in ClinVar:

NM_001008216.2(GALE):c.904G>T (p.Gly302Cys)

Gene: GALE (UDP-galactose-4-epimerase; minus strand). Cytogenetic location: 1p36.11.
Variant type: single nucleotide variant.
Coding change: c.904G>T on transcript NM_001008216.2 (MANE Select); coding-DNA position 904, G replaced by T.
Protein change: p.Gly302Cys; replaces glycine 302 with cysteine.
Molecular consequence: missense variant.
Genome position (GRCh38, 1-based): chr1:23,796,235, C>A on the plus strand (G>T on the coding strand, the complement: GALE is on the minus strand). VCF-style: chr1-23796235-C-A. GRCh37 (hg19) VCF-style: chr1-24122725-C-A.
Other names: c.904G>T, p.Gly302Cys (NM_000403.4, NM_001127621.2); short protein forms G302C.
Identifiers: ClinVar variation 1507075 (VCV001507075.6), dbSNP rs146052241, ClinGen allele CA19277189.

ClinVar aggregate classification (germline): Uncertain significance (1 of 4 stars; one submission).

Conditions:
UDPglucose-4-epimerase deficiency. Also called: Epimerase Deficiency Galactosemia; UDP-GALACTOSE-4-EPIMERASE DEFICIENCY; Galactose epimerase deficiency; UDPglucose 4-Epimerase Deficiency Disease; GALACTOSEMIA III; GALE DEFICIENCY. Identifiers: Orphanet 352, Orphanet 79238, MedGen C0751161, MONDO:0009257, OMIM 230350.

gnomAD v4.1: 3 of 1,614,166 alleles (0.00019%); highest among the groups gnomAD compares: Admixed American, 0.005%; no homozygotes.

Submission:

Labcorp Genetics (formerly Invitae), Labcorp
Classification: Uncertain significance for UDPglucose-4-epimerase deficiency. Last evaluated: 2025-08-06. Review status: criteria provided, single submitter. Criteria: Invitae Variant Classification Sherloc (09022015). Collection method: clinical testing. Allele origin: germline.
Comment: This sequence change replaces glycine, which is neutral and non-polar, with cysteine, which is neutral and slightly polar, at codon 302 of the GALE protein (p.Gly302Cys). This variant is present in population databases (no rsID available, gnomAD 0.003%). This variant has not been reported in the literature in individuals affected with GALE-related conditions. ClinVar contains an entry for this variant (Variation ID: 1507075). Invitae Evidence Modeling of protein sequence and biophysical properties (such as structural, functional, and spatial information, amino acid conservation, physicochemical variation, residue mobility, and thermodynamic stability) indicates that this missense variant is expected to disrupt GALE protein function with a positive predictive value of 80%. This variant disrupts the p.Gly302 amino acid residue in GALE. Other variant(s) that disrupt this residue have been determined to be pathogenic (PMID: 16301867, 19250319). This suggests that this residue is clinically significant, and that variants that disrupt this residue are likely to be disease-causing. In summary, the available evidence is currently insufficient to determine the role of this variant in disease. Therefore, it has been classified as a Variant of Uncertain Significance.

Literature cited by the submitters: PubMed 16301867; PubMed 19250319.